The following is an entry in ClinVar:

ClinVar aggregate classification (germline): Uncertain significance (1 of 4 stars; one submission).

Conditions:
Autosomal recessive limb-girdle muscular dystrophy type 2Y (MRRSDC). Also called: Muscular dystrophy, autosomal recessive, with rigid spine and distal joint contractures; Muscular dystrophy, limb-girdle, type 2y. Identifiers: Orphanet 424261, MedGen C4511482, MONDO:0014900, OMIM 617072.

Allele frequency attached by ClinVar (database versions not stated): TOPMed below 0.00001; gnomAD exomes 0.00001; ExAC 0.00007.
gnomAD v4.1: 13 of 1,476,324 alleles (0.00088%); highest among the groups gnomAD compares: Non-Finnish European, 0.0009%; no homozygotes.

Submission:

Labcorp Genetics (formerly Invitae), Labcorp
Classification: Uncertain significance for Autosomal recessive limb-girdle muscular dystrophy type 2Y. Last evaluated: 2022-08-28. Review status: criteria provided, single submitter. Criteria: Invitae Variant Classification Sherloc (09022015). Collection method: clinical testing. Allele origin: germline.
Comment: This sequence change replaces arginine, which is basic and polar, with glutamine, which is neutral and polar, at codon 12 of the TOR1AIP1 protein (p.Arg12Gln). The frequency data for this variant in the population databases is considered unreliable, as metrics indicate poor data quality at this position in the gnomAD database. This variant has not been reported in the literature in individuals affected with TOR1AIP1-related conditions. ClinVar contains an entry for this variant (Variation ID: 1014751). Algorithms developed to predict the effect of missense changes on protein structure and function are either unavailable or do not agree on the potential impact of this missense change (SIFT: "Tolerated"; PolyPhen-2: "Possibly Damaging"; Align-GVGD: "Class C0"). In summary, the available evidence is currently insufficient to determine the role of this variant in disease. Therefore, it has been classified as a Variant of Uncertain Significance.

NM_015602.4(TOR1AIP1):c.35G>A (p.Arg12Gln)

Genes: TOR1AIP1 (torsin 1A interacting protein 1; plus strand), LOC112577517 (Sharpr-MPRA regulatory region 13766; plus strand). Cytogenetic location: 1q25.2.
Variant type: single nucleotide variant.
Coding change: c.35G>A on transcript NM_015602.4 (MANE Select); coding-DNA position 35, G replaced by A.
Protein change: p.Arg12Gln; replaces arginine 12 with glutamine.
Molecular consequence: missense variant.
Genome position (GRCh38, 1-based): chr1:179,882,537, G>A. VCF-style: chr1-179882537-G-A. GRCh37 (hg19) VCF-style: chr1-179851672-G-A.
Other names: c.35G>A, p.Arg12Gln (NM_001267578.2); short protein forms R12Q.
Identifiers: ClinVar variation 1014751 (VCV001014751.2), dbSNP rs780125585, ClinGen allele CA1268624.